The following is an entry in ClinVar:

ClinVar aggregate classification (germline): Likely benign (1 of 4 stars; one submission).

gnomAD v4.1: 2 of 1,614,220 alleles (0.00012%); highest among the groups gnomAD compares: African/African-American, 0.0013%; no homozygotes.

Submission:

GeneDx
Classification: Likely benign. Last evaluated: 2018-01-02. Review status: criteria provided, single submitter. Criteria: GeneDx Variant Classification (06012015). Collection method: clinical testing. Allele origin: germline. Affected: yes.
Comment: This variant is considered likely benign or benign based on one or more of the following criteria: it is a conservative change, it occurs at a poorly conserved position in the protein, it is predicted to be benign by multiple in silico algorithms, and/or has population frequency not consistent with disease.

NM_002471.4(MYH6):c.5163+3G>A

Genes: MYH6 (myosin heavy chain 6; minus strand), LOC126861896 (BRD4-independent group 4 enhancer GRCh37_chr14:23854904-23856103; plus strand). Cytogenetic location: 14q11.2.
Variant type: single nucleotide variant.
Coding change: c.5163+3G>A on transcript NM_002471.4 (MANE Select); 3 bases into the intron after coding-DNA position 5163, G replaced by A.
Molecular consequence: intron variant.
Genome position (GRCh38, 1-based): chr14:23,385,925, C>T on the plus strand (G>A on the coding strand, the complement: MYH6 is on the minus strand). VCF-style: chr14-23385925-C-T. GRCh37 (hg19) VCF-style: chr14-23855134-C-T.
Identifiers: ClinVar variation 391915 (VCV000391915.1), dbSNP rs1057524287, ClinGen allele CA16606936.
Genomic context (GRCh38, chr14:23,385,925, plus strand): 5'-TTTCTAGATGTCCTGGGCTCTGCACTCAGTAGGTTTCCACAAGGTGGCTCCTGACCCCCT[C>T]ACCTGGGAATGCAGCAGCTGCACCCGCTCGCTGGTCTCAATCAGCTCCTGCTCCGCCAGC-3'